The following is an entry in ClinVar:

NM_000214.3(JAG1):c.208G>T (p.Glu70Ter)

Gene: JAG1 (jagged canonical Notch ligand 1; minus strand). Cytogenetic location: 20p12.2.
Variant type: single nucleotide variant.
Coding change: c.208G>T on transcript NM_000214.3 (MANE Select); coding-DNA position 208, G replaced by T.
Protein change: p.Glu70Ter; replaces glutamic acid 70 with a stop codon.
Molecular consequence: nonsense.
Genome position (GRCh38, 1-based): chr20:10,672,880, C>A on the plus strand (G>T on the coding strand, the complement: JAG1 is on the minus strand). VCF-style: chr20-10672880-C-A. GRCh37 (hg19) VCF-style: chr20-10653528-C-A.
Other names: short protein forms E70*.
Identifiers: ClinVar variation 4718479 (VCV004718479.1).

ClinVar aggregate classification (germline): Pathogenic (1 of 4 stars; one submission).

Conditions:
Alagille syndrome due to a JAG1 point mutation. Also called: Alagille Syndrome 1; JAG1-Related Alagille Syndrome; HEPATIC DUCTULAR HYPOPLASIA, SYNDROMATIC. Identifiers: Orphanet 261619, Orphanet 52, MedGen C1956125, MONDO:0016862, OMIM 118450.

Submission:

Labcorp Genetics (formerly Invitae), Labcorp
Classification: Pathogenic for Alagille syndrome due to a JAG1 point mutation. Last evaluated: 2025-05-01. Review status: criteria provided, single submitter. Criteria: Invitae Variant Classification Sherloc (09022015). Collection method: clinical testing. Allele origin: germline.
Comment: This sequence change creates a premature translational stop signal (p.Glu70*) in the JAG1 gene. It is expected to result in an absent or disrupted protein product. Loss-of-function variants in JAG1 are known to be pathogenic (PMID: 11180599). This variant is not present in population databases (gnomAD no frequency). This variant has not been reported in the literature in individuals affected with JAG1-related conditions. For these reasons, this variant has been classified as Pathogenic.

Literature cited by the submitters: PubMed 11180599.